The following is an entry in ClinVar:

NM_001130987.2(DYSF):c.4637C>T (p.Thr1546Ile)

Gene: DYSF (dysferlin; plus strand). Cytogenetic location: 2p13.2.
Variant type: single nucleotide variant.
Coding change: c.4637C>T on transcript NM_001130987.2 (MANE Select); coding-DNA position 4637, C replaced by T.
Protein change: p.Thr1546Ile; replaces threonine 1546 with isoleucine.
Molecular consequence: missense variant.
Genome position (GRCh38, 1-based): chr2:71,656,172, C>T. VCF-style: chr2-71656172-C-T. GRCh37 (hg19) VCF-style: chr2-71883302-C-T.
Other names: c.4481C>T, p.Thr1494Ile (NM_001130986.2); c.4520C>T, p.Thr1507Ile (NM_003494.4); c.4523C>T, p.Thr1508Ile (NM_001130455.2); c.4478C>T, p.Thr1493Ile (NM_001130976.2); c.4541C>T, p.Thr1514Ile (NM_001130977.2); c.4583C>T, p.Thr1528Ile (NM_001130978.2); c.4613C>T, p.Thr1538Ile (NM_001130979.2); c.4571C>T, p.Thr1524Ile (NM_001130980.2); and 5 more; short protein forms T1494I, T1514I, T1515I, T1525I, T1529I, T1524I, T1539I, T1493I.
Identifiers: ClinVar variation 1418281 (VCV001418281.7), dbSNP rs781670260, ClinGen allele CA1707098.

ClinVar aggregate classification (germline): Uncertain significance. Review status: criteria provided, multiple submitters, no conflicts (2 of 4 stars). 2 submissions from 2 submitters: Uncertain significance (2). Last evaluated 2025-02-13.

Conditions:
Neuromuscular disease caused by qualitative or quantitative defects of dysferlin. Also called: Dysferlinopathy; Qualitative or quantitative defects of dysferlin. Identifiers: Orphanet 207073, MedGen C2931687, MONDO:0016145.

Allele frequency attached by ClinVar (database versions not stated): TOPMed below 0.00001; ExAC 0.00001; gnomAD 0.00001; gnomAD exomes 0.00001.
gnomAD v4.1: 19 of 1,614,010 alleles (0.0012%); highest among the groups gnomAD compares: Non-Finnish European, 0.0015%; no homozygotes.

Submissions (2):

Revvity Omics, Revvity
Classification: Uncertain significance. Last evaluated: 2025-02-13. Review status: criteria provided, single submitter. Criteria: ACMG Guidelines, 2015. Collection method: clinical testing. Allele origin: germline.

Labcorp Genetics (formerly Invitae), Labcorp
Classification: Uncertain significance for Neuromuscular disease caused by qualitative or quantitative defects of dysferlin. Last evaluated: 2021-08-30. Review status: criteria provided, single submitter. Criteria: Invitae Variant Classification Sherloc (09022015). Collection method: clinical testing. Allele origin: germline.
Comment: This sequence change replaces threonine with isoleucine at codon 1507 of the DYSF protein (p.Thr1507Ile). The threonine residue is moderately conserved and there is a moderate physicochemical difference between threonine and isoleucine. This variant is present in population databases (rs781670260, ExAC 0.001%). This variant has not been reported in the literature in individuals affected with DYSF-related conditions. Algorithms developed to predict the effect of missense changes on protein structure and function are either unavailable or do not agree on the potential impact of this missense change (SIFT: "Tolerated"; PolyPhen-2: "Possibly Damaging"; Align-GVGD: "Class C0"). In summary, the available evidence is currently insufficient to determine the role of this variant in disease. Therefore, it has been classified as a Variant of Uncertain Significance.